The following is an entry in ClinVar:

ClinVar aggregate classification (germline): Likely benign (0 of 4 stars; one submission).

Conditions:
TMPRSS5-related disorder. Also called: TMPRSS5-related condition.

Allele frequency attached by ClinVar (database versions not stated): TOPMed below 0.00001.
gnomAD v4.1: 10 of 1,605,252 alleles (0.00062%); highest among the groups gnomAD compares: Middle Eastern, 0.033%; no homozygotes.

Submission:

PreventionGenetics, part of Exact Sciences
Classification: Likely benign for TMPRSS5-related condition. Last evaluated: 2019-06-19. Review status: no assertion criteria provided. Collection method: clinical testing. Allele origin: germline.
Comment: This variant is classified as likely benign based on ACMG/AMP sequence variant interpretation guidelines (Richards et al. 2015 PMID: 25741868, with internal and published modifications).

NM_030770.4(TMPRSS5):c.1092G>C (p.Thr364=)

Genes: TMPRSS5 (transmembrane serine protease 5; minus strand), LOC126861343 (MED14-independent group 3 enhancer GRCh37_chr11:113560791-113561990; plus strand). Cytogenetic location: 11q23.2.
Variant type: single nucleotide variant.
Coding change: c.1092G>C on transcript NM_030770.4 (MANE Select); coding-DNA position 1092, G replaced by C.
Protein change: p.Thr364=; no amino-acid change (threonine 364 retained).
Molecular consequence: synonymous variant. On other transcripts: non-coding transcript variant (2).
Genome position (GRCh38, 1-based): chr11:113,690,345, C>G on the plus strand (G>C on the coding strand, the complement: TMPRSS5 is on the minus strand). VCF-style: chr11-113690345-C-G. GRCh37 (hg19) VCF-style: chr11-113561067-C-G.
Other names: c.753G>C, p.Thr251= (NM_001288749.2); c.960G>C, p.Thr320= (NM_001288750.2); c.1065G>C, p.Thr355= (NM_001288751.2); c.885G>C, p.Thr295= (NM_001288752.2).
Identifiers: ClinVar variation 3042752 (VCV003042752.2), dbSNP rs554451279, ClinGen allele CA476818230.
Genomic context (GRCh38, chr11:113,690,345, plus strand): 5'-GAGGGCTCCGCTGTACACGCAAGAGCTGTTGCAGAGCTGAGTGCTGAACAAGGGCACCAC[C>G]GTGTCCTGGAGCATATCCGAGCTGTAAGCTATGAGAGACACCGAGAAAAACTGCAGGGCA-3'
Protein context (NP_110397.2, residues 354-374): HTYSSDMLQD[Thr364=]VVPLFSTQLC